The following is an entry in ClinVar:

ClinVar aggregate classification (germline): Pathogenic/Likely pathogenic. Review status: criteria provided, multiple submitters, no conflicts (2 of 4 stars). 5 submissions from 5 submitters: Pathogenic (1); Likely pathogenic (4). Last evaluated 2025-06-22.

Conditions:
SCN4A-related disorder. Also called: SCN4A-related disorders.
Hyperkalemic periodic paralysis. Also called: Gamstorp disease; Familial hyperkalemic periodic paralysis. Identifiers: Orphanet 682, MedGen C0238357, MONDO:0008224, OMIM 170500, HP:0007215.

Allele frequency attached by ClinVar (database versions not stated): gnomAD 0.00001; TOPMed 0.00002.
gnomAD v4.1: 6 of 1,613,634 alleles (0.00037%); highest among the groups gnomAD compares: Non-Finnish European, 0.00051%; no homozygotes.

Submissions (5):

Labcorp Genetics (formerly Invitae), Labcorp
Classification: Pathogenic for Hyperkalemic periodic paralysis. Last evaluated: 2025-06-22. Review status: criteria provided, single submitter. Criteria: Invitae Variant Classification Sherloc (09022015). Collection method: clinical testing. Allele origin: germline.
Comment: This sequence change replaces valine, which is neutral and non-polar, with leucine, which is neutral and non-polar, at codon 445 of the SCN4A protein (p.Val445Leu). This variant is not present in population databases (gnomAD no frequency). This missense change has been observed in individuals with autosomal dominant myotonia congenita (PMID: 27199537; internal data). ClinVar contains an entry for this variant (Variation ID: 448262). Invitae Evidence Modeling of protein sequence and biophysical properties (such as structural, functional, and spatial information, amino acid conservation, physicochemical variation, residue mobility, and thermodynamic stability) indicates that this missense variant is expected to disrupt SCN4A protein function with a positive predictive value of 80%. This variant disrupts the p.Val445 amino acid residue in SCN4A. Other variant(s) that disrupt this residue have been determined to be pathogenic (PMID: 9392583, 22653516, 25724373, 25839108). This suggests that this residue is clinically significant, and that variants that disrupt this residue are likely to be disease-causing. For these reasons, this variant has been classified as Pathogenic.

Revvity Omics, Revvity
Classification: Likely pathogenic. Last evaluated: 2025-06-11. Review status: criteria provided, single submitter. Criteria: ACMG Guidelines, 2015. Collection method: clinical testing. Allele origin: germline.

Athena Diagnostics
Classification: Likely pathogenic. Last evaluated: 2025-04-14. Review status: criteria provided, single submitter. Criteria: Athena Diagnostics Criteria. Collection method: clinical testing. Allele origin: unknown.
Comment: The frequency of this variant in the general population is consistent with pathogenicity. This variant has been identified in multiple unrelated individuals with myotonia. Polyphen and MutationTaster predict this amino acid change may be damaging to the protein. At least one other missense variant at this codon is considered to be pathogenic or likely pathogenic, suggesting this variant may also cause disease.

GeneDx
Classification: Likely pathogenic. Last evaluated: 2025-04-07. Review status: criteria provided, single submitter. Criteria: GeneDx Variant Classification Process June 2021. Collection method: clinical testing. Allele origin: germline. Affected: yes.
Comment: Not observed at significant frequency in large population cohorts (gnomAD); In silico analysis indicates that this missense variant does not alter protein structure/function; This variant is associated with the following publications: (PMID: 25724373, 22653516, 9392583, 25839108, 33965302, 27199537, 34908252, 18337100)

PreventionGenetics, part of Exact Sciences
Classification: Likely pathogenic for SCN4A-related condition. Last evaluated: 2023-03-15. Review status: criteria provided, single submitter. Criteria: ACMG Guidelines, 2015. Collection method: clinical testing. Allele origin: germline.
Comment: The SCN4A c.1333G>C variant is predicted to result in the amino acid substitution p.Val445Leu. To our knowledge, this variant has not been reported in the literature or in a large population database, indicating this variant is rare. An alternate G-to-A nucleotide change and a G-to-T nucleotide change at the same nucleotide position (c.1333) have been reported in individuals with autosomal dominant myotonia (c.1333G>A (p.Val445Met) and c.1333G>T (p.Val445Leu); Rosenfeld et al. 1997. PubMed ID: 9392583; Table 3, Sun et al. 2019. PubMed ID: 31567646; Table 2, Maggi et al. 2020. PubMed ID: 32849172; Table 4, Vereb. 2020. PubMed ID: 33263785; Table 3, Babić Božović et al. 2021. PubMed ID: 34106991; ClinVar Variation IDs: 5910 and 373945). The c.1333G>C (p.Val445Leu) variant is interpreted as likely pathogenic.

Literature cited by the submitters: PubMed 27199537 (cited by Labcorp Genetics (formerly Invitae), Labcorp and Athena Diagnostics); PubMed 9392583 (cited by Labcorp Genetics (formerly Invitae), Labcorp); PubMed 22653516 (cited by Labcorp Genetics (formerly Invitae), Labcorp); PubMed 25724373 (cited by Labcorp Genetics (formerly Invitae), Labcorp); PubMed 25839108 (cited by Labcorp Genetics (formerly Invitae), Labcorp); PubMed 34908252 (cited by Athena Diagnostics).

NM_000334.4(SCN4A):c.1333G>C (p.Val445Leu)

Gene: SCN4A (sodium voltage-gated channel alpha subunit 4; minus strand). Cytogenetic location: 17q23.3.
Variant type: single nucleotide variant.
Coding change: c.1333G>C on transcript NM_000334.4 (MANE Select); coding-DNA position 1333, G replaced by C.
Protein change: p.Val445Leu; replaces valine 445 with leucine.
Molecular consequence: missense variant.
Genome position (GRCh38, 1-based): chr17:63,964,587, C>G on the plus strand (G>C on the coding strand, the complement: SCN4A is on the minus strand). VCF-style: chr17-63964587-C-G. GRCh37 (hg19) VCF-style: chr17-62041947-C-G.
Other names: short protein forms V445L.
Identifiers: ClinVar variation 448262 (VCV000448262.24), dbSNP rs121908552, ClinGen allele CA400635022.